The following is an entry in ClinVar:

NM_001197104.2(KMT2A):c.7321A>G (p.Lys2441Glu)

Gene: KMT2A (lysine methyltransferase 2A; plus strand). Cytogenetic location: 11q23.3.
Variant type: single nucleotide variant.
Coding change: c.7321A>G on transcript NM_001197104.2 (MANE Select); coding-DNA position 7321, A replaced by G.
Protein change: p.Lys2441Glu; replaces lysine 2441 with glutamic acid.
Molecular consequence: missense variant.
Genome position (GRCh38, 1-based): chr11:118,503,213, A>G. VCF-style: chr11-118503213-A-G. GRCh37 (hg19) VCF-style: chr11-118373928-A-G.
Other names: c.7411A>G, p.Lys2471Glu (NM_001412597.1); c.7312A>G, p.Lys2438Glu (NM_005933.4); short protein forms K2438E, K2441E, K2471E.
Identifiers: ClinVar variation 4800556 (VCV004800556.1).

ClinVar aggregate classification (germline): Uncertain significance (1 of 4 stars; one submission).

Submission:

Labcorp Genetics (formerly Invitae), Labcorp
Classification: Uncertain significance. Last evaluated: 2025-06-30. Review status: criteria provided, single submitter. Criteria: Invitae Variant Classification Sherloc (09022015). Collection method: clinical testing. Allele origin: germline.
Comment: This sequence change replaces lysine, which is basic and polar, with glutamic acid, which is acidic and polar, at codon 2441 of the KMT2A protein (p.Lys2441Glu). This variant is not present in population databases (gnomAD no frequency). This variant has not been reported in the literature in individuals affected with KMT2A-related conditions. Invitae Evidence Modeling of protein sequence and biophysical properties (such as structural, functional, and spatial information, amino acid conservation, physicochemical variation, residue mobility, and thermodynamic stability) indicates that this missense variant is not expected to disrupt KMT2A protein function with a negative predictive value of 95%. In summary, the available evidence is currently insufficient to determine the role of this variant in disease. Therefore, it has been classified as a Variant of Uncertain Significance.